The following is an entry in ClinVar:

NM_183050.4(BCKDHB):c.991G>A (p.Ala331Thr)

Gene: BCKDHB (branched chain keto acid dehydrogenase E1 subunit beta; plus strand). Cytogenetic location: 6q14.1.
Variant type: single nucleotide variant.
Coding change: c.991G>A on transcript NM_183050.4 (MANE Select); coding-DNA position 991, G replaced by A.
Protein change: p.Ala331Thr; replaces alanine 331 with threonine.
Molecular consequence: missense variant. On other transcripts: non-coding transcript variant (1).
Genome position (GRCh38, 1-based): chr6:80,273,174, G>A. VCF-style: chr6-80273174-G-A. GRCh37 (hg19) VCF-style: chr6-80982891-G-A.
Other names: p.Ala331Thr; c.991G>A, p.Ala331Thr (NM_000056.5); c.781G>A, p.Ala261Thr (NM_001318975.1); short protein forms A261T, A331T.
Identifiers: ClinVar variation 1691427 (VCV001691427.11), dbSNP rs1777825845, ClinGen allele CA365009145.

ClinVar aggregate classification (germline): Likely pathogenic. Review status: criteria provided, multiple submitters, no conflicts (2 of 4 stars). 3 submissions from 3 submitters: Likely pathogenic (3). Last evaluated 2025-05-13.

Conditions:
Maple syrup urine disease (MSUD). Identifiers: Orphanet 511, MedGen C0024776, MeSH D008375, MONDO:0009563. Disease mechanism: loss of function.
Maple syrup urine disease type 1B (MSUD1B). Also called: MSUD type IB; MSUD type 3 (formerly); MSUD due to deficiency of e1-beta subunit of branched-chain alpha-keto acid dehydrogenase complex. Identifiers: MedGen C2930990, MONDO:0023692, OMIM 620698.

gnomAD v4.1: 1 of 1,613,550 alleles (0.000062%); highest among the groups gnomAD compares: Non-Finnish European, 0.000085%; no homozygotes.

Submissions (3):

Labcorp Genetics (formerly Invitae), Labcorp
Classification: Likely pathogenic for Maple syrup urine disease. Last evaluated: 2025-05-13. Review status: criteria provided, single submitter. Criteria: Invitae Variant Classification Sherloc (09022015). Collection method: clinical testing. Allele origin: germline.
Comment: This sequence change replaces alanine, which is neutral and non-polar, with threonine, which is neutral and polar, at codon 331 of the BCKDHB protein (p.Ala331Thr). This variant is not present in population databases (gnomAD no frequency). This missense change has been observed in individual(s) with maple syrup urine disease (PMID: 31112740). In at least one individual the data is consistent with being in trans (on the opposite chromosome) from a pathogenic variant. ClinVar contains an entry for this variant (Variation ID: 1691427). Invitae Evidence Modeling of protein sequence and biophysical properties (such as structural, functional, and spatial information, amino acid conservation, physicochemical variation, residue mobility, and thermodynamic stability) indicates that this missense variant is expected to disrupt BCKDHB protein function with a positive predictive value of 80%. In summary, the currently available evidence indicates that the variant is pathogenic, but additional data are needed to prove that conclusively. Therefore, this variant has been classified as Likely Pathogenic.

Fulgent Genetics
Classification: Likely pathogenic for Maple syrup urine disease type 1B. Last evaluated: 2024-01-17. Review status: criteria provided, single submitter. Criteria: ACMG Guidelines, 2015. Collection method: clinical testing. Allele origin: germline.

Mayo Clinic Laboratories, Mayo Clinic
Classification: Likely pathogenic. Last evaluated: 2021-07-14. Review status: criteria provided, single submitter. Criteria: ACMG Guidelines, 2015. Collection method: clinical testing. Allele origin: germline.
Comment: PM2, PM3, PP3, PP4

Literature cited by the submitters: PubMed 31112740 (cited by Labcorp Genetics (formerly Invitae), Labcorp and Mayo Clinic Laboratories, Mayo Clinic).